The following continues an entry in ClinVar:

NM_000137.4(FAH):c.1062+5G>A

Gene: FAH. ClinVar aggregate classification (germline): Pathogenic/Likely pathogenic. Pathogenic (27); Likely pathogenic (1).

Submissions 32 to 36 of 36:

Diagnostic Laboratory, Department of Genetics, University Medical Center Groningen
Classification: Likely pathogenic. Review status: no assertion criteria provided. Collection method: clinical testing. Allele origin: germline. Affected: yes. Study: VKGL Data-share Consensus. Not counted in ClinVar's aggregate classification.

Dr. Peter K. Rogan Lab, Western University
No classification provided (evidence only). Condition: Thymoma. Review status: no classification provided. Collection method: in vitro. Allele origin: not applicable. Functional consequence: skipped exon, retained intron. Not counted in ClinVar's aggregate classification.

Dr. Peter K. Rogan Lab, Western University
No classification provided (evidence only). Condition: Ovarian serous cystadenocarcinoma. Review status: no classification provided. Collection method: in vitro. Allele origin: not applicable. Functional consequence: retained intron. Not counted in ClinVar's aggregate classification.

GeneReviews
No classification provided. Condition: Tyrosinemia type I. Review status: no classification provided. Collection method: literature only. Allele origin: germline. Not counted in ClinVar's aggregate classification.
Comment: Northern European and French Canadian-specific pathogenic variant resulting from founder effect or genetic drift [Angileri et al 2015].

Joint Genome Diagnostic Labs from Nijmegen and Maastricht, Radboudumc and MUMC+
Classification: Likely pathogenic. Review status: no assertion criteria provided. Collection method: clinical testing. Allele origin: germline. Affected: yes. Study: VKGL Data-share Consensus. Not counted in ClinVar's aggregate classification.

Literature cited by the submitters: PubMed 8318997 (cited by 10 submitters); PubMed 23895425 (cited by 11 submitters); PubMed 26565546 (cited by 3 submitters); PubMed 23193487 (cited by Labcorp Genetics (formerly Invitae), Labcorp); PubMed 28755192 (cited by Labcorp Genetics (formerly Invitae), Labcorp); PubMed 17576681 (cited by Labcorp Genetics (formerly Invitae), Labcorp); PubMed 9536098 (cited by Labcorp Genetics (formerly Invitae), Labcorp); PubMed 21752152 (cited by 3 submitters); PubMed 8076937 (cited by Natera, Inc. and Center for Genomic Medicine, Rigshospitalet, Copenhagen University Hospital); PubMed 33046095 (cited by Natera, Inc.); PubMed 7550234 (cited by Ambry Genetics and Women's Health and Genetics/Laboratory Corporation of America, LabCorp); PubMed 11754109 (cited by Ambry Genetics and Illumina Laboratory Services, Illumina); PubMed 12203990 (cited by 4 submitters); PubMed 36393896 (cited by Ambry Genetics); PubMed 11278491 (cited by Women's Health and Genetics/Laboratory Corporation of America, LabCorp); PubMed 8028615 (cited by 4 submitters); PubMed 15638932 (cited by Women's Health and Genetics/Laboratory Corporation of America, LabCorp); PubMed 23430822 (cited by Women's Health and Genetics/Laboratory Corporation of America, LabCorp); PubMed 30414057 (cited by 3 submitters); PubMed 33083013 (cited by Center for Genomic Medicine, Rigshospitalet, Copenhagen University Hospital); PubMed 8829657 (cited by Dasa and Myriad Genetics, Inc.); PubMed 22975760 (cited by Mayo Clinic Laboratories, Mayo Clinic); PubMed 29326876 (cited by Mayo Clinic Laboratories, Mayo Clinic); PubMed 29497141 (cited by Mayo Clinic Laboratories, Mayo Clinic); PubMed 31568711 (cited by Mayo Clinic Laboratories, Mayo Clinic); PubMed 31574857 (cited by Mayo Clinic Laboratories, Mayo Clinic and Victorian Clinical Genetics Services, Murdoch Childrens Research Institute); PubMed 8821854 (cited by 4 submitters); PubMed 22554029 (cited by Myriad Genetics, Inc. and Laboratory for Molecular Medicine, Mass General Brigham Personalized Medicine); PubMed 25081276 (cited by Illumina Laboratory Services, Illumina and Laboratory for Molecular Medicine, Mass General Brigham Personalized Medicine); PubMed 9633815 (cited by Illumina Laboratory Services, Illumina); PubMed 7757089 (cited by Illumina Laboratory Services, Illumina and OMIM); PubMed 27814443 (cited by Laboratory for Molecular Medicine, Mass General Brigham Personalized Medicine); PubMed 9705236 (cited by OMIM); NCBI Bookshelf NBK1515 (cited by GeneReviews); PubMed 20301688 (cited by GeneReviews); PubMed 25681080 (cited by GeneReviews).